The following is an entry in ClinVar:

NM_022369.4(STRA6):c.1839A>T (p.Glu613Asp)

Gene: STRA6 (signaling receptor and transporter of retinol STRA6; minus strand). Cytogenetic location: 15q24.1.
Variant type: single nucleotide variant.
Coding change: c.1839A>T on transcript NM_022369.4 (MANE Select); coding-DNA position 1839, A replaced by T.
Protein change: p.Glu613Asp; replaces glutamic acid 613 with aspartic acid.
Molecular consequence: missense variant.
Genome position (GRCh38, 1-based): chr15:74,180,783, T>A on the plus strand (A>T on the coding strand, the complement: STRA6 is on the minus strand). VCF-style: chr15-74180783-T-A. GRCh37 (hg19) VCF-style: chr15-74473124-T-A.
Other names: c.1839A>T, p.Glu613Asp (NM_001142617.2, NM_001142618.2); c.1812A>T, p.Glu604Asp (NM_001142619.2); c.1950A>T, p.Glu650Asp (NM_001199040.2); c.1884A>T, p.Glu628Asp (NM_001199041.2); c.1956A>T, p.Glu652Asp (NM_001199042.2); short protein forms E604D, E613D, E628D, E650D, E652D.
Identifiers: ClinVar variation 3030948 (VCV003030948.3), dbSNP rs201008326, ClinGen allele CA272746534.

ClinVar aggregate classification (germline): Uncertain significance. Review status: criteria provided, single submitter (1 of 4 stars). 2 submissions from 2 submitters: Uncertain significance (1). 1 of the submissions does not count toward it. Last evaluated 2025-07-12.

Conditions:
Inborn genetic diseases. Identifiers: MedGen C0950123, MeSH D030342.
STRA6-related disorder. Also called: STRA6-related condition.

Allele frequency attached by ClinVar (database versions not stated): TOPMed 0.00001.
gnomAD v4.1: 5 of 1,604,250 alleles (0.00031%); highest among the groups gnomAD compares: Non-Finnish European, 0.00043%; no homozygotes.

Submissions (2):

Ambry Genetics
Classification: Uncertain significance for Inborn genetic diseases. Last evaluated: 2025-07-12. Review status: criteria provided, single submitter. Criteria: Ambry Variant Classification Scheme 2023. Collection method: clinical testing. Allele origin: germline.

PreventionGenetics, part of Exact Sciences
Classification: Uncertain significance for STRA6-related condition. Last evaluated: 2024-02-08. Review status: no assertion criteria provided. Collection method: clinical testing. Allele origin: germline. Not counted in ClinVar's aggregate classification.
Comment: The STRA6 c.1839A>T variant is predicted to result in the amino acid substitution p.Glu613Asp. To our knowledge, this variant has not been reported in the literature or in a large population database, indicating this variant is rare. At this time, the clinical significance of this variant is uncertain due to the absence of conclusive functional and genetic evidence.